The following is an entry in ClinVar:

ClinVar aggregate classification (germline): Conflicting classifications of pathogenicity. Review status: criteria provided, conflicting classifications (1 of 4 stars). 6 submissions from 6 submitters: Uncertain significance (3); Likely benign (2). 1 of the submissions does not count toward it. Last evaluated 2025-11-16.

Conditions:
Polycystic kidney disease 4 (PKD4). Also called: POLYCYSTIC KIDNEY DISEASE 4 WITH OR WITHOUT POLYCYSTIC LIVER DISEASE; PKD3; POLYCYSTIC KIDNEY AND HEPATIC DISEASE 1; POLYCYSTIC KIDNEY DISEASE, INFANTILE, TYPE I; Autosomal Recessive Polycystic Kidney Disease – PKHD1. Identifiers: MedGen C4540575, MONDO:0033004, OMIM 263200.
Autosomal recessive polycystic kidney disease (ARPKD). Also called: AR polycystic kidney disease. Identifiers: Orphanet 731, Orphanet 8378, MedGen C0085548, MeSH D017044, MONDO:0009889.
PKHD1-related disorder. Also called: PKHD1-related condition.
Inborn genetic diseases. Identifiers: MedGen C0950123, MeSH D030342.

Allele frequency attached by ClinVar (database versions not stated): gnomAD 0.00006 and 0.00010; TOPMed 0.00006; ESP Exome Variant Server 0.00023; 1000 Genomes Project 30x 0.00031; 1000 Genomes Project 0.00040.
gnomAD v4.1: 140 of 1,613,784 alleles (0.0087%); highest among the groups gnomAD compares: East Asian, 0.051%; no homozygotes.

Submissions (6):

Labcorp Genetics (formerly Invitae), Labcorp
Classification: Likely benign for Autosomal recessive polycystic kidney disease. Last evaluated: 2025-11-16. Review status: criteria provided, single submitter. Criteria: Invitae Variant Classification Sherloc (09022015). Collection method: clinical testing. Allele origin: germline.

Fulgent Genetics
Classification: Uncertain significance for Polycystic kidney disease 4. Last evaluated: 2024-05-09. Review status: criteria provided, single submitter. Criteria: ACMG Guidelines, 2015. Collection method: clinical testing. Allele origin: germline.

GeneDx
Classification: Uncertain significance. Last evaluated: 2022-10-14. Review status: criteria provided, single submitter. Criteria: GeneDx Variant Classification Process June 2021. Collection method: clinical testing. Allele origin: germline. Affected: yes.
Comment: In silico analysis supports that this missense variant does not alter protein structure/function; Has not been previously published as pathogenic or benign to our knowledge

Ambry Genetics
Classification: Likely benign for Inborn genetic diseases. Last evaluated: 2021-08-17. Review status: criteria provided, single submitter. Criteria: Ambry Variant Classification Scheme 2023. Collection method: clinical testing. Allele origin: germline.

Eurofins Ntd Llc (ga)
Classification: Uncertain significance. Last evaluated: 2018-07-05. Review status: criteria provided, single submitter. Criteria: EGL ClinVar v180209 classification definitions. Collection method: clinical testing. Allele origin: germline. Observed: 1 variant allele, 1 heterozygote.

PreventionGenetics, part of Exact Sciences
Classification: Uncertain significance for PKHD1-related condition. Last evaluated: 2024-04-29. Review status: no assertion criteria provided. Collection method: clinical testing. Allele origin: germline. Not counted in ClinVar's aggregate classification.
Comment: The PKHD1 c.5411G>A variant is predicted to result in the amino acid substitution p.Arg1804His. To our knowledge, this variant has not been reported in the literature. This variant is reported in 0.023% of alleles in individuals of East Asian descent in gnomAD. At this time, the clinical significance of this variant is uncertain due to the absence of conclusive functional and genetic evidence.

NM_138694.4(PKHD1):c.5411G>A (p.Arg1804His)

Gene: PKHD1 (PKHD1 ciliary IPT domain containing fibrocystin/polyductin; minus strand). Cytogenetic location: 6p12.2.
Variant type: single nucleotide variant.
Coding change: c.5411G>A on transcript NM_138694.4 (MANE Select); coding-DNA position 5411, G replaced by A.
Protein change: p.Arg1804His; replaces arginine 1804 with histidine.
Molecular consequence: missense variant.
Genome position (GRCh38, 1-based): chr6:52,017,599, C>T on the plus strand (G>A on the coding strand, the complement: PKHD1 is on the minus strand). VCF-style: chr6-52017599-C-T. GRCh37 (hg19) VCF-style: chr6-51882397-C-T.
Other names: c.5411G>A, p.Arg1804His (NM_170724.3); c.5411G>A (NM_138694.3); short protein forms R1804H.
Identifiers: ClinVar variation 597910 (VCV000597910.17), dbSNP rs151160618, ClinGen allele CA3852515.